The following is an entry in ClinVar:

NM_052844.4(DYNC2I2):c.545+1G>T

Gene: DYNC2I2 (dynein 2 intermediate chain 2; minus strand). Cytogenetic location: 9q34.11.
Variant type: single nucleotide variant.
Coding change: c.545+1G>T on transcript NM_052844.4 (MANE Select); the canonical splice donor site of the intron after coding-DNA position 545, G replaced by T.
Molecular consequence: splice donor variant.
Genome position (GRCh38, 1-based): chr9:128,636,917, C>A on the plus strand (G>T on the coding strand, the complement: DYNC2I2 is on the minus strand). VCF-style: chr9-128636917-C-A. GRCh37 (hg19) VCF-style: chr9-131399196-C-A.
Identifiers: ClinVar variation 4692295 (VCV004692295.1).

ClinVar aggregate classification (germline): Likely pathogenic (1 of 4 stars; one submission).

Conditions:
Short-rib thoracic dysplasia 11 with or without polydactyly (SRTD11). Also called: SHORT-RIB THORACIC DYSPLASIA 11 WITHOUT POLYDACTYLY. Identifiers: Orphanet 474, Orphanet 93271, MedGen C3810200, MONDO:0014287, OMIM 615633.

gnomAD v4.1: 2 of 1,610,384 alleles (0.00012%); highest among the groups gnomAD compares: Non-Finnish European, 0.00017%; no homozygotes.

Submission:

Labcorp Genetics (formerly Invitae), Labcorp
Classification: Likely pathogenic for Short-rib thoracic dysplasia 11 with or without polydactyly. Last evaluated: 2025-09-30. Review status: criteria provided, single submitter. Criteria: Invitae Variant Classification Sherloc (09022015). Collection method: clinical testing. Allele origin: germline.
Comment: This sequence change affects a donor splice site in intron 3 of the WDR34 gene. It is expected to disrupt RNA splicing. Variants that disrupt the donor or acceptor splice site typically lead to a loss of protein function (PMID: 16199547), and loss-of-function variants in WDR34 are known to be pathogenic (PMID: 24183449, 24183451, 28379358). The frequency data for this variant in the population databases is considered unreliable, as metrics indicate poor data quality at this position in the gnomAD database. This variant has not been reported in the literature in individuals affected with WDR34-related conditions. Algorithms developed to predict the effect of sequence changes on RNA splicing suggest that this variant may disrupt the consensus splice site. In summary, the currently available evidence indicates that the variant is pathogenic, but additional data are needed to prove that conclusively. Therefore, this variant has been classified as Likely Pathogenic.

Literature cited by the submitters: PubMed 16199547; PubMed 24183449; PubMed 24183451; PubMed 28379358.